The following is an entry in ClinVar:

NM_001114753.3(ENG):c.1311+1dup

Genes: ENG (endoglin; minus strand), LOC102723566 (uncharacterized LOC102723566; plus strand). Cytogenetic location: 9q34.11.
Variant type: Duplication.
Coding change: c.1311+1dup on transcript NM_001114753.3 (MANE Select); the canonical splice donor site of the intron after coding-DNA position 1311, one base duplicated (G; older notation c.1311+1dupG).
Molecular consequence: splice donor variant.
Genome position (GRCh38, 1-based): chr9:127,819,621, C duplicated on the plus strand (G on the coding strand, the reverse complement: ENG is on the minus strand); the first of 3 consecutive C bases (chr9:127,819,621-127,819,623); duplicating any one gives the same sequence. VCF-style (leftmost placement, unchanged base first): chr9-127819620-A-AC. GRCh37 (hg19) VCF-style: chr9-130581899-A-AC.
Other names: c.1311dupG (NM_000118.3); c.1311+1dup (NM_000118.4); c.765+1dup (NM_001278138.2).
Identifiers: ClinVar variation 458334 (VCV000458334.11), dbSNP rs1554809446, ClinGen allele CA658656049.

ClinVar aggregate classification (germline): Pathogenic (1 of 4 stars; one submission).

Conditions:
Hereditary hemorrhagic telangiectasia (HHT). Also called: ORW DISEASE; Osler Weber Rendu syndrome; OSLER-RENDU-WEBER DISEASE; Osler hemorrhagic telangiectasia syndrome. Identifiers: Orphanet 774, MedGen C0039445, MONDO:0019180. Disease mechanism: loss of function.

Submission:

Labcorp Genetics (formerly Invitae), Labcorp
Classification: Pathogenic for Hereditary hemorrhagic telangiectasia. Last evaluated: 2017-08-22. Review status: criteria provided, single submitter. Criteria: Invitae Variant Classification Sherloc (09022015). Collection method: clinical testing. Allele origin: germline.
Comment: This sequence change creates a premature translational stop signal (p.Lys438Glufs*63) in the ENG gene. It is expected to result in an absent or disrupted protein product. This variant is not present in population databases (ExAC no frequency). This variant has been reported in an individual affected with hereditary hemorrhagic telangiectasia (PMID: 17384219). This variant is also known as c.1311+1_2insG. Loss-of-function variants in ENG are known to be pathogenic (PMID: 21158752, 12673790). For these reasons, this variant has been classified as Pathogenic.

Literature cited by the submitters: PubMed 17384219; PubMed 21158752; PubMed 12673790.